The following is an entry in ClinVar:

ClinVar aggregate classification (germline): Uncertain significance (1 of 4 stars; one submission).

Submission:

GeneDx
Classification: Uncertain significance. Last evaluated: 2024-10-28. Review status: criteria provided, single submitter. Criteria: GeneDx Variant Classification Process June 2021. Collection method: clinical testing. Allele origin: germline. Affected: yes.
Comment: Not observed at significant frequency in large population cohorts (gnomAD); In silico analysis supports that this missense variant has a deleterious effect on protein structure/function; Has not been previously published as pathogenic or benign to our knowledge

NM_001039591.3(USP9X):c.310C>T (p.Leu104Phe)

Gene: USP9X (ubiquitin specific peptidase 9 X-linked; plus strand). Cytogenetic location: Xp11.4.
Variant type: single nucleotide variant.
Coding change: c.310C>T on transcript NM_001039591.3 (MANE Select); coding-DNA position 310, C replaced by T.
Protein change: p.Leu104Phe; replaces leucine 104 with phenylalanine.
Molecular consequence: missense variant.
Genome position (GRCh38, 1-based): chrX:41,131,524, C>T. VCF-style: chrX-41131524-C-T. GRCh37 (hg19) VCF-style: chrX-40990777-C-T.
Other names: c.310C>T, p.Leu104Phe (NM_001039590.3, NM_001410748.1, NM_001410749.1); short protein forms L104F.
Identifiers: ClinVar variation 3893652 (VCV003893652.1).
Genomic context (GRCh38, chrX:41,131,524, plus strand): 5'-TGGGTGGTTCCAGTTTTGCCGAAAGGGGAATTAGAAGTGCTTTTAGAAGCTGCTATTGAT[C>T]TTAGTAAAAAGGGTAAGTTATATGTTTTTATGCTTCCTATAATGTATGCTACTAGATGTA-3'
Protein context (NP_001034680.2, residues 94-114): LEVLLEAAID[Leu104Phe]SKKGLDVKSE